The following is an entry in ClinVar:

NC_000001.10:g.(?_243668551)_(244218672_?)dup

Genes: AKT3 (AKT serine/threonine kinase 3; minus strand), ZBTB18 (zinc finger and BTB domain containing 18; plus strand). Cytogenetic location: 1q43-44.
Variant type: Duplication.
Identifiers: ClinVar variation 3248037 (VCV003248037.1).

ClinVar aggregate classification (germline): Uncertain significance (1 of 4 stars; one submission).

Submission:

Labcorp Genetics (formerly Invitae), Labcorp
Classification: Uncertain significance. Last evaluated: 2024-01-21. Review status: criteria provided, single submitter. Criteria: Invitae Variant Classification Sherloc (09022015). Collection method: clinical testing. Allele origin: unknown.
Comment: A copy number gain of the genomic region encompassing the full coding sequence of the ZBTB18 gene has been identified. The boundaries of this event are unknown as they extend beyond the assayed region for this gene and therefore may encompass additional genes. As the precise location of this event is unknown, it may be in tandem or it may be located elsewhere in the genome. This variant has not been reported in the literature in individuals affected with ZBTB18-related conditions. In summary, the available evidence is currently insufficient to determine the role of this variant in disease. Therefore, it has been classified as a Variant of Uncertain Significance.